The following is an entry in ClinVar:

ClinVar aggregate classification (germline): Pathogenic/Likely pathogenic. Review status: criteria provided, multiple submitters, no conflicts (2 of 4 stars). 2 submissions from 2 submitters: Pathogenic (1); Likely pathogenic (1). Last evaluated 2024-05-20.

Conditions:
Mucolipidosis type II. Also called: Mucolipidosis II Alpha/Beta; ML II ALPHA/BETA; Mucolipidosis 2; ML 2; Inclusion cell disease; Leroy Disease. Identifiers: Orphanet 576, MedGen C2673377, MONDO:0009650, OMIM 252500.

Submissions (2):

Natera, Inc.
Classification: Likely pathogenic for Mucolipidosis type II. Last evaluated: 2024-05-20. Review status: criteria provided, single submitter. Criteria: Natera Variant Classification Schema (03/2026). Collection method: clinical testing. Allele origin: germline.
Comment: The c.3281_3282del variant in GNPTAB is a frameshift variant predicted to shift the reading frame and introduce a stop codon. This variant is expected to result in nonsense mediated decay, truncation, or a dysfunctional protein product. This variant is rare in the general population with a frequency below the threshold expected for the associated phenotype(s). Given the available evidence, this variant is classified as Likely Pathogenic.

GeneDx
Classification: Pathogenic. Last evaluated: 2018-08-30. Review status: criteria provided, single submitter. Criteria: GeneDx Variant Classification (06012015). Collection method: clinical testing. Allele origin: germline. Affected: yes.
Comment: The c.3281_3282delGT variant in the GNPTAB gene has not been reported previously as a pathogenic variant nor as a benign variant, to our knowledge. The c.3281_3282delGT variant causes a frameshift, changing codon Cysteine 1094 to a premature Stop codon, denoted p.Cys1094Ter. This variant is predicted to cause loss of normal protein function either through protein truncation or nonsense-mediated mRNA decay. The c.3281_3282delGT variant is not observed in large population cohorts (Lek et al., 2016). We interpret c.3281_3282delGT as a pathogenic variant.

NM_024312.5(GNPTAB):c.3281_3282del (p.Asn1093_Cys1094insTer)

Gene: GNPTAB (N-acetylglucosamine-1-phosphate transferase subunits alpha and beta; minus strand). Cytogenetic location: 12q23.2.
Variant type: Deletion.
Coding change: c.3281_3282del on transcript NM_024312.5 (MANE Select); coding-DNA positions 3281 to 3282, 2 bases deleted (GT; older notation c.3281_3282delGT).
Protein change: p.Asn1093_Cys1094insTer.
Molecular consequence: nonsense.
Genome position (GRCh38, 1-based): chr12:101,757,625-101,757,626, AC deleted on the plus strand (GT on the coding strand, the reverse complement: GNPTAB is on the minus strand); deleting any 2 consecutive bases within chr12:101,757,625-101,757,627 gives the same sequence; the c. name uses the placement nearest the transcript's 3' end. VCF-style (leftmost placement, unchanged base first): chr12-101757624-TAC-T. GRCh37 (hg19) VCF-style: chr12-102151402-TAC-T.
Other names: c.3281_3282delGT (NM_024312.4); c.3281_3282del (NM_024312.4).
Identifiers: ClinVar variation 817569 (VCV000817569.2), dbSNP rs1594207573, ClinGen allele CA915946676.